The following is an entry in ClinVar:

ClinVar aggregate classification (germline): Uncertain significance. Review status: criteria provided, multiple submitters, no conflicts (2 of 4 stars). 7 submissions from 7 submitters: Uncertain significance (5). 2 of the submissions do not count toward it. Last evaluated 2025-05-19.

Conditions:
Susceptibility to severe COVID-19.
Chédiak-Higashi syndrome (CHS). Also called: Chediak-Higashi Syndrome. Identifiers: Orphanet 167, MedGen C0007965, MONDO:0008963, OMIM 214500.

Allele frequency attached by ClinVar (database versions not stated): ESP Exome Variant Server 0.00008; 1000 Genomes Project 30x 0.00016; 1000 Genomes Project 0.00020.
gnomAD v4.1: 109 of 1,613,470 alleles (0.0068%); highest among the groups gnomAD compares: East Asian, 0.054%; 1 homozygote.

Submissions (7):

Mayo Clinic Laboratories, Mayo Clinic
Classification: Uncertain significance. Last evaluated: 2025-05-19. Review status: criteria provided, single submitter. Criteria: ACMG Guidelines, 2015. Collection method: clinical testing. Allele origin: germline. Observed: 4 variant alleles.
Comment: BP4

Women's Health and Genetics/Laboratory Corporation of America, LabCorp
Classification: Uncertain significance. Last evaluated: 2024-07-31. Review status: criteria provided, single submitter. Criteria: LabCorp Variant Classification Summary - May 2015. Collection method: clinical testing. Allele origin: germline.
Comment: Variant summary: LYST c.6079G>C (p.Val2027Leu) results in a conservative amino acid change in the encoded protein sequence. Three of five in-silico tools predict a benign effect of the variant on protein function. The variant allele was found at a frequency of 5.6e-05 in 250696 control chromosomes. This frequency is not significantly higher than estimated for a pathogenic variant in LYST causing Chediak-Higashi Syndrome (5.6e-05 vs 0.0011), allowing no conclusion about variant significance. To our knowledge, c.6079G>C has not been reported in the literature in individuals affected with Chediak-Higashi Syndrome. The following publication has been ascertained in the context of this evaluation (PMID: 33217554). ClinVar contains an entry for this variant (Variation ID: 296390). Based on the evidence outlined above, the variant was classified as uncertain significance.

Labcorp Genetics (formerly Invitae), Labcorp
Classification: Uncertain significance for Chédiak-Higashi syndrome. Last evaluated: 2022-10-13. Review status: criteria provided, single submitter. Criteria: Invitae Variant Classification Sherloc (09022015). Collection method: clinical testing. Allele origin: germline.
Comment: This sequence change replaces valine, which is neutral and non-polar, with leucine, which is neutral and non-polar, at codon 2027 of the LYST protein (p.Val2027Leu). This variant is present in population databases (rs374351038, gnomAD 0.06%). This variant has not been reported in the literature in individuals affected with LYST-related conditions. ClinVar contains an entry for this variant (Variation ID: 296390). Advanced modeling of protein sequence and biophysical properties (such as structural, functional, and spatial information, amino acid conservation, physicochemical variation, residue mobility, and thermodynamic stability) performed at Invitae indicates that this missense variant is expected to disrupt LYST protein function. In summary, the available evidence is currently insufficient to determine the role of this variant in disease. Therefore, it has been classified as a Variant of Uncertain Significance.

Revvity Omics, Revvity
Classification: Uncertain significance for Chédiak-Higashi syndrome. Last evaluated: 2019-08-02. Review status: criteria provided, single submitter. Criteria: ACMG Guidelines, 2015. Collection method: clinical testing. Allele origin: germline.

Illumina Laboratory Services, Illumina
Classification: Uncertain significance for Chédiak-Higashi syndrome. Last evaluated: 2018-01-13. Review status: criteria provided, single submitter. Criteria: ICSL Variant Classification Criteria 13 December 2019. Collection method: clinical testing. Allele origin: germline.

Dubai Health Genomic Medicine Center, Dubai Health
Classification: Likely risk allele for Susceptibility to severe COVID-19. Last evaluated: 2022-07-01. Review status: no assertion criteria provided. Collection method: research. Allele origin: germline. Affected: yes. Not counted in ClinVar's aggregate classification.

ISTH-SSC Genomics in Thrombosis and Hemostasis, KU Leuven, Center for Molecular and Vascular Biology
Classification: Uncertain significance for Chédiak-Higashi syndrome. Review status: no assertion criteria provided. Collection method: research. Allele origin: unknown. Affected: yes. Not counted in ClinVar's aggregate classification.
Comment: Submitted to GoldVariant by Dr Marie-Christine Morel-Kopp from Northern Blood Research Centre, Sydney, Australia

Literature cited by the submitters: PubMed 33217554 (cited by Women's Health and Genetics/Laboratory Corporation of America, LabCorp).

NM_000081.4(LYST):c.6079G>C (p.Val2027Leu)

Gene: LYST (lysosomal trafficking regulator; minus strand). Cytogenetic location: 1q42.3.
Variant type: single nucleotide variant.
Coding change: c.6079G>C on transcript NM_000081.4 (MANE Select); coding-DNA position 6079, G replaced by C.
Protein change: p.Val2027Leu; replaces valine 2027 with leucine.
Molecular consequence: missense variant.
Genome position (GRCh38, 1-based): chr1:235,766,121, C>G on the plus strand (G>C on the coding strand, the complement: LYST is on the minus strand). VCF-style: chr1-235766121-C-G. GRCh37 (hg19) VCF-style: chr1-235929421-C-G.
Other names: p.Val2027Leu; c.6079G>C, p.Val2027Leu (NM_001301365.1); short protein forms V2027L.
Identifiers: ClinVar variation 296390 (VCV000296390.17), dbSNP rs374351038, ClinGen allele CA1466465.